The following is an entry in ClinVar:

NM_001365999.1(SZT2):c.3976G>A (p.Ala1326Thr)

Gene: SZT2 (SZT2 subunit of KICSTOR complex; plus strand). Cytogenetic location: 1p34.2.
Variant type: single nucleotide variant.
Coding change: c.3976G>A on transcript NM_001365999.1 (MANE Select); coding-DNA position 3976, G replaced by A.
Protein change: p.Ala1326Thr; replaces alanine 1326 with threonine.
Molecular consequence: missense variant.
Genome position (GRCh38, 1-based): chr1:43,428,296, G>A. VCF-style: chr1-43428296-G-A. GRCh37 (hg19) VCF-style: chr1-43893967-G-A.
Other names: c.3805G>A, p.Ala1269Thr (NM_015284.4); short protein forms A1269T, A1326T.
Identifiers: ClinVar variation 4745915 (VCV004745915.1).

ClinVar aggregate classification (germline): Uncertain significance (1 of 4 stars; one submission).

Submission:

Labcorp Genetics (formerly Invitae), Labcorp
Classification: Uncertain significance. Last evaluated: 2025-07-20. Review status: criteria provided, single submitter. Criteria: Invitae Variant Classification Sherloc (09022015). Collection method: clinical testing. Allele origin: germline.
Comment: This sequence change replaces alanine, which is neutral and non-polar, with threonine, which is neutral and polar, at codon 1269 of the SZT2 protein (p.Ala1269Thr). This variant is not present in population databases (gnomAD no frequency). This variant has not been reported in the literature in individuals affected with SZT2-related conditions. Invitae Evidence Modeling of protein sequence and biophysical properties (such as structural, functional, and spatial information, amino acid conservation, physicochemical variation, residue mobility, and thermodynamic stability) indicates that this missense variant is expected to disrupt SZT2 protein function with a positive predictive value of 80%. In summary, the available evidence is currently insufficient to determine the role of this variant in disease. Therefore, it has been classified as a Variant of Uncertain Significance.